The following is an entry in ClinVar:

ClinVar aggregate classification (germline): Uncertain significance (1 of 4 stars; one submission).

Conditions:
Hereditary cancer-predisposing syndrome. Also called: Tumor predisposition; Hereditary Cancer Syndrome; Hereditary neoplastic syndrome; Neoplastic Syndromes, Hereditary. Identifiers: Orphanet 140162, MedGen C0027672, MeSH D009386, MONDO:0015356.

Allele frequency attached by ClinVar (database versions not stated): gnomAD 0.00001.
gnomAD v4.1: 1 of 1,614,026 alleles (0.000062%); highest among the groups gnomAD compares: South Asian, 0.0011%; no homozygotes.

Submission:

Ambry Genetics
Classification: Uncertain significance for Hereditary cancer-predisposing syndrome. Last evaluated: 2025-12-20. Review status: criteria provided, single submitter. Criteria: Ambry Variant Classification Scheme 2023. Collection method: clinical testing. Allele origin: germline.
Comment: The p.V998M variant (also known as c.2992G>A), located in coding exon 14 of the BLM gene, results from a G to A substitution at nucleotide position 2992. The valine at codon 998 is replaced by methionine, an amino acid with highly similar properties. This amino acid position is conserved. In addition, the in silico prediction for this alteration is inconclusive. Since supporting evidence is limited at this time, the clinical significance of this alteration remains unclear.

NM_000057.4(BLM):c.2992G>A (p.Val998Met)

Gene: BLM (BLM RecQ like helicase; plus strand). Cytogenetic location: 15q26.1.
Variant type: single nucleotide variant.
Coding change: c.2992G>A on transcript NM_000057.4 (MANE Select); coding-DNA position 2992, G replaced by A.
Protein change: p.Val998Met; replaces valine 998 with methionine.
Molecular consequence: missense variant.
Genome position (GRCh38, 1-based): chr15:90,790,817, G>A. VCF-style: chr15-90790817-G-A. GRCh37 (hg19) VCF-style: chr15-91334047-G-A.
Other names: c.2992G>A, p.Val998Met (NM_001287246.2, NM_001287247.2); c.1867G>A, p.Val623Met (NM_001287248.2); short protein forms V998M, V623M.
Identifiers: ClinVar variation 1798541 (VCV001798541.3), dbSNP rs1896888447, ClinGen allele CA393846572.